The following is an entry in ClinVar:

ClinVar aggregate classification (germline): Uncertain significance. Review status: criteria provided, multiple submitters, no conflicts (2 of 4 stars). 2 submissions from 2 submitters: Uncertain significance (2). Last evaluated 2025-08-03.

Conditions:
Inborn genetic diseases. Identifiers: MedGen C0950123, MeSH D030342.

Allele frequency attached by ClinVar (database versions not stated): ExAC 0.00002; gnomAD 0.00002 and 0.00003; gnomAD exomes 0.00002; TOPMed 0.00002; ESP Exome Variant Server 0.00015.
gnomAD v4.1: 35 of 1,608,878 alleles (0.0022%); highest among the groups gnomAD compares: Non-Finnish European, 0.0027%; no homozygotes.

Submissions (2):

Ambry Genetics
Classification: Uncertain significance for Inborn genetic diseases. Last evaluated: 2025-08-03. Review status: criteria provided, single submitter. Criteria: Ambry Variant Classification Scheme 2023. Collection method: clinical testing. Allele origin: germline.

Labcorp Genetics (formerly Invitae), Labcorp
Classification: Uncertain significance. Last evaluated: 2022-08-15. Review status: criteria provided, single submitter. Criteria: Invitae Variant Classification Sherloc (09022015). Collection method: clinical testing. Allele origin: germline.
Comment: This sequence change replaces arginine, which is basic and polar, with glutamine, which is neutral and polar, at codon 357 of the ATF6 protein (p.Arg357Gln). This variant is present in population databases (rs141420481, gnomAD 0.004%). This variant has not been reported in the literature in individuals affected with ATF6-related conditions. ClinVar contains an entry for this variant (Variation ID: 1039902). Algorithms developed to predict the effect of missense changes on protein structure and function are either unavailable or do not agree on the potential impact of this missense change (SIFT: "Tolerated"; PolyPhen-2: "Possibly Damaging"; Align-GVGD: "Class C0"). In summary, the available evidence is currently insufficient to determine the role of this variant in disease. Therefore, it has been classified as a Variant of Uncertain Significance.

NM_007348.4(ATF6):c.1070G>A (p.Arg357Gln)

Gene: ATF6 (activating transcription factor 6; plus strand). Cytogenetic location: 1q23.3.
Variant type: single nucleotide variant.
Coding change: c.1070G>A on transcript NM_007348.4 (MANE Select); coding-DNA position 1070, G replaced by A.
Protein change: p.Arg357Gln; replaces arginine 357 with glutamine.
Molecular consequence: missense variant.
Genome position (GRCh38, 1-based): chr1:161,819,793, G>A. VCF-style: chr1-161819793-G-A. GRCh37 (hg19) VCF-style: chr1-161789583-G-A.
Other names: c.1070G>A (NM_007348.3); short protein forms R357Q.
Identifiers: ClinVar variation 1039902 (VCV001039902.4), dbSNP rs141420481, ClinGen allele CA1214348.